The following is an entry in ClinVar:

NM_014140.4(SMARCAL1):c.955C>T (p.Gln319Ter)

Gene: SMARCAL1 (SNF2 related chromatin remodeling annealing helicase 1; plus strand). Cytogenetic location: 2q35.
Variant type: single nucleotide variant.
Coding change: c.955C>T on transcript NM_014140.4 (MANE Select); coding-DNA position 955, C replaced by T.
Protein change: p.Gln319Ter; replaces glutamine 319 with a stop codon.
Molecular consequence: nonsense.
Genome position (GRCh38, 1-based): chr2:216,420,391, C>T. VCF-style: chr2-216420391-C-T. GRCh37 (hg19) VCF-style: chr2-217285114-C-T.
Other names: c.955C>T, p.Gln319Ter (NM_001127207.2); short protein forms Q319*.
Identifiers: ClinVar variation 2203261 (VCV002203261.4), dbSNP rs2469620922, ClinGen allele CA350498446.
Genomic context (GRCh38, chr2:216,420,391, plus strand): 5'-CTGCAGCCTCTGGAATGGGCCTATGGCAGCAGCGAGTCACCCTCCACCAGCAGTGAGGGA[C>T]AGGCCGGCCTTCCATCAGCTCCATCCCTTTCATTTGTCAAAGGGCGATGCATGCTCATCT-3'

ClinVar aggregate classification (germline): Pathogenic (1 of 4 stars; one submission).

Conditions:
Schimke immuno-osseous dysplasia (SIOD). Also called: Schimke Immunoosseous Dysplasia. Identifiers: Orphanet 1830, MedGen C0877024, MONDO:0009458, OMIM 242900.

Allele frequency attached by ClinVar (database versions not stated): gnomAD exomes below 0.00001.
gnomAD v4.1: 1 of 1,614,206 alleles (0.000062%); highest among the groups gnomAD compares: Non-Finnish European, 0.000085%; no homozygotes.

Submission:

Labcorp Genetics (formerly Invitae), Labcorp
Classification: Pathogenic for Schimke immuno-osseous dysplasia. Last evaluated: 2022-04-15. Review status: criteria provided, single submitter. Criteria: Invitae Variant Classification Sherloc (09022015). Collection method: clinical testing. Allele origin: germline.
Comment: For these reasons, this variant has been classified as Pathogenic. Algorithms developed to predict the effect of sequence changes on RNA splicing suggest that this variant may disrupt the consensus splice site. This premature translational stop signal has been observed in individual(s) with Schimke immunoosseous dysplasia (PMID: 12471207). This variant is not present in population databases (gnomAD no frequency). This sequence change creates a premature translational stop signal (p.Gln319*) in the SMARCAL1 gene. It is expected to result in an absent or disrupted protein product. Loss-of-function variants in SMARCAL1 are known to be pathogenic (PMID: 11799392, 20301550).

Literature cited by the submitters: PubMed 12471207; PubMed 11799392; PubMed 20301550.